The following is an entry in ClinVar:

NM_021956.5(GRIK2):c.2394G>T (p.Trp798Cys)

Gene: GRIK2 (glutamate ionotropic receptor kainate type subunit 2; plus strand). Cytogenetic location: 6q16.3.
Variant type: single nucleotide variant.
Coding change: c.2394G>T on transcript NM_021956.5 (MANE Select); coding-DNA position 2394, G replaced by T.
Protein change: p.Trp798Cys; replaces tryptophan 798 with cysteine.
Molecular consequence: missense variant.
Genome position (GRCh38, 1-based): chr6:102,055,412, G>T. VCF-style: chr6-102055412-G-T. GRCh37 (hg19) VCF-style: chr6-102503287-G-T.
Other names: c.2394G>T, p.Trp798Cys (NM_001166247.1, NM_175768.3); short protein forms W798C.
Identifiers: ClinVar variation 3345379 (VCV003345379.1).

ClinVar aggregate classification (germline): Uncertain significance (0 of 4 stars; one submission).

Conditions:
GRIK2-related disorder. Also called: GRIK2-related condition.

Submission:

PreventionGenetics, part of Exact Sciences
Classification: Uncertain significance for GRIK2-related condition. Last evaluated: 2024-06-21. Review status: no assertion criteria provided. Collection method: clinical testing. Allele origin: germline.
Comment: The GRIK2 c.2394G>T variant is predicted to result in the amino acid substitution p.Trp798Cys. To our knowledge, this variant has not been reported in the literature or in a large population database, indicating this variant is rare. At this time, the clinical significance of this variant is uncertain due to the absence of conclusive functional and genetic evidence.